The following is an entry in ClinVar:

ClinVar aggregate classification (germline): Uncertain significance (1 of 4 stars; one submission).

Submission:

Labcorp Genetics (formerly Invitae), Labcorp
Classification: Uncertain significance. Last evaluated: 2022-11-22. Review status: criteria provided, single submitter. Criteria: Invitae Variant Classification Sherloc (09022015). Collection method: clinical testing. Allele origin: germline.
Comment: This sequence change replaces isoleucine, which is neutral and non-polar, with serine, which is neutral and polar, at codon 992 of the GPR179 protein (p.Ile992Ser). This variant is not present in population databases (gnomAD no frequency). This variant has not been reported in the literature in individuals affected with GPR179-related conditions. ClinVar contains an entry for this variant (Variation ID: 1517559). Algorithms developed to predict the effect of missense changes on protein structure and function are either unavailable or do not agree on the potential impact of this missense change (SIFT: "Deleterious"; PolyPhen-2: "Probably Damaging"; Align-GVGD: "Class C0"). In summary, the available evidence is currently insufficient to determine the role of this variant in disease. Therefore, it has been classified as a Variant of Uncertain Significance.

NM_001004334.4(GPR179):c.2975T>G (p.Ile992Ser)

Gene: GPR179 (G protein-coupled receptor 179; minus strand). Cytogenetic location: 17q12.
Variant type: single nucleotide variant.
Coding change: c.2975T>G on transcript NM_001004334.4 (MANE Select); coding-DNA position 2975, T replaced by G.
Protein change: p.Ile992Ser; replaces isoleucine 992 with serine.
Molecular consequence: missense variant.
Genome position (GRCh38, 1-based): chr17:38,330,594, A>C on the plus strand (T>G on the coding strand, the complement: GPR179 is on the minus strand). VCF-style: chr17-38330594-A-C. GRCh37 (hg19) VCF-style: chr17-36486477-A-C.
Other names: short protein forms I992S.
Identifiers: ClinVar variation 1517559 (VCV001517559.6), dbSNP rs2144262501, ClinGen allele CA398880990.